The following is an entry in ClinVar:

NM_001267550.2(TTN):c.68984A>C (p.Gln22995Pro)

Genes: TTN (titin; minus strand), TTN-AS1 (TTN antisense RNA 1; plus strand). Cytogenetic location: 2q31.2.
Variant type: single nucleotide variant.
Coding change: c.68984A>C on transcript NM_001267550.2 (MANE Select); coding-DNA position 68984, A replaced by C.
Protein change: p.Gln22995Pro; replaces glutamine 22995 with proline.
Molecular consequence: missense variant.
Genome position (GRCh38, 1-based): chr2:178,577,351, T>G on the plus strand (A>C on the coding strand, the complement: TTN is on the minus strand). VCF-style: chr2-178577351-T-G. GRCh37 (hg19) VCF-style: chr2-179442078-T-G.
Other names: p.Gln20427Pro; c.64061A>C, p.Gln21354Pro (NM_001256850.1); c.41789A>C, p.Gln13930Pro (NM_003319.4); c.61280A>C, p.Gln20427Pro (NM_133378.4); c.42164A>C, p.Gln14055Pro (NM_133432.3); c.42365A>C, p.Gln14122Pro (NM_133437.4); short protein forms Q20427P, Q22995P, Q13930P, Q21354P, Q14122P, Q14055P.
Identifiers: ClinVar variation 497593 (VCV000497593.10), dbSNP rs879410317, ClinGen allele CA61004790.

ClinVar aggregate classification (germline): Uncertain significance. Review status: criteria provided, multiple submitters, no conflicts (2 of 4 stars). 5 submissions from 5 submitters: Uncertain significance (4). 1 of the submissions does not count toward it. Last evaluated 2023-12-15.

Conditions:
TTN-related disorder. Also called: TTN-related disorders; TTN-related condition; TTN-related disease.
Autosomal recessive limb-girdle muscular dystrophy type 2J (LGMDR10). Also called: Limb-girdle muscular dystrophy, type 2J; MUSCULAR DYSTROPHY, LIMB-GIRDLE, AUTOSOMAL RECESSIVE 10. Identifiers: Orphanet 140922, MedGen C1837342, MONDO:0012127, OMIM 608807.
Dilated cardiomyopathy 1G (CMD1G). Identifiers: Orphanet 154, MedGen C1858763, MONDO:0011400, OMIM 604145.
Tibial muscular dystrophy (TMD). Also called: UDD MYOPATHY; Tibial muscular dystrophy, tardive; Udd Distal Myopathy – Tibial Muscular Dystrophy. Identifiers: Orphanet 609, MedGen C1838244, MONDO:0010870, OMIM 600334.
Early-onset myopathy with fatal cardiomyopathy (CMYO5). Also called: Salih Myopathy; CONGENITAL MYOPATHY 5 WITH CARDIOMYOPATHY. Identifiers: Orphanet 289377, MedGen C2673677, MONDO:0012714, OMIM 611705. Disease mechanism: loss of function.
Hypertrophic cardiomyopathy 9. Also called: Familial hypertrophic cardiomyopathy 9. Identifiers: MedGen C1861065, MONDO:0013412, OMIM 613765.
Myopathy, myofibrillar, 9, with early respiratory failure (MFM9). Also called: Hereditary myopathy with early respiratory failure; EDSTROM MYOPATHY; MYOPATHY, PROXIMAL, WITH EARLY RESPIRATORY MUSCLE INVOLVEMENT; Myopathy, distal, with early respiratory failure, autosomal dominant. Identifiers: Orphanet 178464, Orphanet 34521, MedGen C1863599, MONDO:0011362, OMIM 603689.

Allele frequency attached by ClinVar (database versions not stated): gnomAD exomes below 0.00001; gnomAD 0.00001; TOPMed 0.00001.
gnomAD v4.1: 8 of 1,612,804 alleles (0.0005%); highest among the groups gnomAD compares: Non-Finnish European, 0.00051%; no homozygotes.

Submissions (5):

Mayo Clinic Laboratories, Mayo Clinic
Classification: Uncertain significance. Last evaluated: 2023-12-15. Review status: criteria provided, single submitter. Criteria: ACMG Guidelines, 2015. Collection method: clinical testing. Allele origin: germline. Observed: 1 variant allele.
Comment: PM2_moderate

Fulgent Genetics
Classification: Uncertain significance for Tibial muscular dystrophy; Myopathy, myofibrillar, 9, with early respiratory failure; Dilated cardiomyopathy 1G; Autosomal recessive limb-girdle muscular dystrophy type 2J; Early-onset myopathy with fatal cardiomyopathy; Hypertrophic cardiomyopathy 9. Last evaluated: 2021-10-25. Review status: criteria provided, single submitter. Criteria: ACMG Guidelines, 2015. Collection method: clinical testing. Allele origin: unknown.

Labcorp Genetics (formerly Invitae), Labcorp
Classification: Uncertain significance for Dilated cardiomyopathy 1G; Autosomal recessive limb-girdle muscular dystrophy type 2J. Last evaluated: 2017-09-14. Review status: criteria provided, single submitter. Criteria: Invitae Variant Classification Sherloc (09022015). Collection method: clinical testing. Allele origin: germline.

Eurofins Ntd Llc (ga)
Classification: Uncertain significance. Last evaluated: 2017-05-23. Review status: criteria provided, single submitter. Criteria: EGL Classification Definitions 2015. Collection method: clinical testing. Allele origin: germline. Observed: 2 variant alleles, 2 heterozygotes.

PreventionGenetics, part of Exact Sciences
Classification: Uncertain significance for TTN-related condition. Last evaluated: 2024-08-31. Review status: no assertion criteria provided. Collection method: clinical testing. Allele origin: germline. Not counted in ClinVar's aggregate classification.
Comment: The TTN c.68984A>C variant is predicted to result in the amino acid substitution p.Gln22995Pro. This variant has been reported in the compound heterozygous state in an individual with Salih myopathy and dilated cardiomyopathy. Heterozygous carriers within this family did not report relevant phenotypes (described as p.Gln20427Pro, Mahdavi et al. 2021. PubMed ID: 34782032; Mahdavi et al. 2021. PubMed ID: 34865674). This variant is reported in 0.00089% of alleles in individuals of European (Non-Finnish) descent in gnomAD. At this time, the clinical significance of this variant is uncertain due to the absence of conclusive functional and genetic evidence.

Literature cited by the submitters: PubMed 30847666 (cited by Mayo Clinic Laboratories, Mayo Clinic); PubMed 34782032 (cited by Mayo Clinic Laboratories, Mayo Clinic).